The following is an entry in ClinVar:

NM_006371.5(CRTAP):c.353G>A (p.Cys118Tyr)

Gene: CRTAP (cartilage associated protein; plus strand). Cytogenetic location: 3p22.3.
Variant type: single nucleotide variant.
Coding change: c.353G>A on transcript NM_006371.5 (MANE Select); coding-DNA position 353, G replaced by A.
Protein change: p.Cys118Tyr; replaces cysteine 118 with tyrosine.
Molecular consequence: missense variant.
Genome position (GRCh38, 1-based): chr3:33,114,430, G>A. VCF-style: chr3-33114430-G-A. GRCh37 (hg19) VCF-style: chr3-33155922-G-A.
Other names: short protein forms C118Y.
Identifiers: ClinVar variation 811416 (VCV000811416.8), dbSNP rs765234021, ClinGen allele CA2300250.

ClinVar aggregate classification (germline): Uncertain significance (1 of 4 stars; one submission).

Conditions:
Osteogenesis imperfecta type 7 (OI7). Also called: OSTEOGENESIS IMPERFECTA, TYPE IIB; Osteogenesis imperfecta type 2B; OI type 2B; Osteogenesis imperfecta, perinatal lethal autosomal recessive; OI type IIB; OI type 7. Identifiers: MedGen C1853162, MONDO:0012536, OMIM 610682.

Allele frequency attached by ClinVar (database versions not stated): gnomAD exomes below 0.00001; TOPMed 0.00001; ExAC 0.00005.
gnomAD v4.1: 1 of 1,565,050 alleles (0.000064%); highest among the groups gnomAD compares: Admixed American, 0.0018%; no homozygotes.

Submission:

ARUP Laboratories, Molecular Genetics and Genomics, ARUP Laboratories
Classification: Uncertain significance for Osteogenesis imperfecta type 7. Last evaluated: 2019-05-03. Review status: criteria provided, single submitter. Criteria: ARUP Molecular Germline Variant Investigation Process. Collection method: clinical testing. Allele origin: germline.
Comment: The CRTAP c.353G>A; p.Cys118Tyr variant (rs765234021), to our knowledge, is not reported in the medical literature or gene specific databases. This variant is only observed on one allele in the Genome Aggregation Database, but is considered a low confidence variant in the database. The cysteine at codon 118 is highly conserved, and computational analyses (SIFT, PolyPhen-2) predict that this variant is deleterious. Due to limited information, the clinical significance of the p.Cys118Tyr variant is uncertain at this time.